The following is an entry in ClinVar:

NM_001170629.2(CHD8):c.7745G>A (p.Ter2582=)

Gene: CHD8 (chromodomain helicase DNA binding protein 8; minus strand). Cytogenetic location: 14q11.2.
Variant type: single nucleotide variant.
Coding change: c.7745G>A on transcript NM_001170629.2 (MANE Select); coding-DNA position 7745, G replaced by A.
Protein change: p.Ter2582=.
Molecular consequence: synonymous variant.
Genome position (GRCh38, 1-based): chr14:21,385,614, C>T on the plus strand (G>A on the coding strand, the complement: CHD8 is on the minus strand). VCF-style: chr14-21385614-C-T. GRCh37 (hg19) VCF-style: chr14-21853773-C-T.
Other names: c.6908G>A, p.Ter2303= (NM_020920.4).
Identifiers: ClinVar variation 3384875 (VCV003384875.2).

ClinVar aggregate classification (germline): Likely benign. Review status: criteria provided, multiple submitters, no conflicts (2 of 4 stars). 2 submissions from 2 submitters: Likely benign (2). Last evaluated 2025-10-31.

gnomAD v4.1: 1 of 1,550,130 alleles (0.000065%); highest among the groups gnomAD compares: Admixed American, 0.002%; no homozygotes.

Submissions (2):

Labcorp Genetics (formerly Invitae), Labcorp
Classification: Likely benign. Last evaluated: 2025-10-31. Review status: criteria provided, single submitter. Criteria: Invitae Variant Classification Sherloc (09022015). Collection method: clinical testing. Allele origin: germline.

Women's Health and Genetics/Laboratory Corporation of America, LabCorp
Classification: Likely benign. Last evaluated: 2024-10-07. Review status: criteria provided, single submitter. Criteria: LabCorp Variant Classification Summary - May 2015. Collection method: clinical testing. Allele origin: germline.
Comment: Variant summary: CHD8 c.7745G>A (p.X2582=) alters a conserved nucleotide resulting in a synonymous change. The variant allele was found at a frequency of 6.5e-07 in 1543230 control chromosomes in the gnomAD database (v4.1 dataset). The available data on variant occurrences in the general population are insufficient to allow any conclusion about variant significance. To our knowledge, no occurrence of c.7745G>A in individuals affected with CHD8-Related Disorders and no experimental evidence demonstrating its impact on protein function have been reported. No submitters have cited clinical-significance assessments for this variant to ClinVar. Based on the evidence outlined above, the variant was classified as likely benign.